The following is an entry in ClinVar:

NM_014915.3(ANKRD26):c.3718G>T (p.Ala1240Ser)

Gene: ANKRD26 (ankyrin repeat domain 26; minus strand). Cytogenetic location: 10p12.1.
Variant type: single nucleotide variant.
Coding change: c.3718G>T on transcript NM_014915.3 (MANE Select); coding-DNA position 3718, G replaced by T.
Protein change: p.Ala1240Ser; replaces alanine 1240 with serine.
Molecular consequence: missense variant.
Genome position (GRCh38, 1-based): chr10:27,033,314, C>A on the plus strand (G>T on the coding strand, the complement: ANKRD26 is on the minus strand). VCF-style: chr10-27033314-C-A. GRCh37 (hg19) VCF-style: chr10-27322243-C-A.
Other names: c.3715G>T, p.Ala1239Ser (NM_001256053.2); short protein forms A1239S, A1240S.
Identifiers: ClinVar variation 4859727 (VCV004859727.1).

ClinVar aggregate classification (germline): Uncertain significance (1 of 4 stars; one submission).

Conditions:
Inborn genetic diseases. Identifiers: MedGen C0950123, MeSH D030342.

Submission:

Ambry Genetics
Classification: Uncertain significance for Inborn genetic diseases. Last evaluated: 2026-05-14. Review status: criteria provided, single submitter. Criteria: Ambry Variant Classification Scheme 2023. Collection method: clinical testing. Allele origin: germline.
Comment: The p.A1240S variant (also known as c.3718G>T), located in coding exon 25 of the ANKRD26 gene, results from a G to T substitution at nucleotide position 3718. The alanine at codon 1240 is replaced by serine, an amino acid with similar properties. This amino acid position is conserved. In addition, this alteration is predicted to be tolerated by in silico analysis. Based on the available evidence, the clinical significance of this variant remains unclear.